The following is an entry in ClinVar:

NM_001365999.1(SZT2):c.8920A>C (p.Thr2974Pro)

Gene: SZT2 (SZT2 subunit of KICSTOR complex; plus strand). Cytogenetic location: 1p34.2.
Variant type: single nucleotide variant.
Coding change: c.8920A>C on transcript NM_001365999.1 (MANE Select); coding-DNA position 8920, A replaced by C.
Protein change: p.Thr2974Pro; replaces threonine 2974 with proline.
Molecular consequence: missense variant.
Genome position (GRCh38, 1-based): chr1:43,446,182, A>C. VCF-style: chr1-43446182-A-C. GRCh37 (hg19) VCF-style: chr1-43911853-A-C.
Other names: c.8749A>C, p.Thr2917Pro (NM_015284.4); c.361A>C, p.Thr121Pro (NM_024547.1); short protein forms T2974P, T2917P, T121P.
Identifiers: ClinVar variation 2126089 (VCV002126089.4), dbSNP rs1655647963, ClinGen allele CA340041494.

ClinVar aggregate classification (germline): Uncertain significance (1 of 4 stars; one submission).

Submission:

Labcorp Genetics (formerly Invitae), Labcorp
Classification: Uncertain significance. Last evaluated: 2022-08-09. Review status: criteria provided, single submitter. Criteria: Invitae Variant Classification Sherloc (09022015). Collection method: clinical testing. Allele origin: germline.
Comment: This sequence change replaces threonine, which is neutral and polar, with proline, which is neutral and non-polar, at codon 2917 of the SZT2 protein (p.Thr2917Pro). In summary, the available evidence is currently insufficient to determine the role of this variant in disease. Therefore, it has been classified as a Variant of Uncertain Significance. Algorithms developed to predict the effect of missense changes on protein structure and function are either unavailable or do not agree on the potential impact of this missense change (SIFT: "Deleterious"; PolyPhen-2: "Benign"; Align-GVGD: "Class C0"). This variant has not been reported in the literature in individuals affected with SZT2-related conditions. This variant is not present in population databases (gnomAD no frequency).